The following is an entry in ClinVar:

NM_000059.4(BRCA2):c.5586G>A (p.Val1862=)

Gene: BRCA2 (BRCA2 DNA repair associated; plus strand). Cytogenetic location: 13q13.1.
Variant type: single nucleotide variant.
Coding change: c.5586G>A on transcript NM_000059.4 (MANE Select); coding-DNA position 5586, G replaced by A.
Protein change: p.Val1862=; no amino-acid change (valine 1862 retained).
Molecular consequence: synonymous variant.
Genome position (GRCh38, 1-based): chr13:32,339,941, G>A. VCF-style: chr13-32339941-G-A. GRCh37 (hg19) VCF-style: chr13-32914078-G-A.
Identifiers: ClinVar variation 384967 (VCV000384967.11), dbSNP rs1057522089, ClinGen allele CA16606686.

ClinVar aggregate classification (germline): Likely benign. Review status: criteria provided, multiple submitters, no conflicts (2 of 4 stars). 4 submissions from 4 submitters: Likely benign (4). Last evaluated 2025-10-07.

Conditions:
Hereditary cancer-predisposing syndrome. Also called: Tumor predisposition; Neoplastic Syndromes, Hereditary; Hereditary neoplastic syndrome; Hereditary Cancer Syndrome. Identifiers: Orphanet 140162, MedGen C0027672, MeSH D009386, MONDO:0015356.
Hereditary breast ovarian cancer syndrome. Also called: Hereditary breast and/or ovarian cancer syndrome; Hereditary breast and ovarian cancer; Hereditary breast and ovarian cancer syndrome (HBOC); BRCA1- and BRCA2-Associated Hereditary Breast and Ovarian Cancer; Hereditary breast and ovarian cancer syndrome; Breast and ovarian cancer. Identifiers: Orphanet 145, MedGen C0677776, MeSH D061325, MONDO:0003582. Disease mechanism: loss of function.

Allele frequency attached by ClinVar (database versions not stated): gnomAD exomes below 0.00001.
gnomAD v4.1: 1 of 1,606,872 alleles (0.000062%); highest among the groups gnomAD compares: Non-Finnish European, 0.000085%; no homozygotes.

Submissions (4):

Labcorp Genetics (formerly Invitae), Labcorp
Classification: Likely benign for Hereditary breast ovarian cancer syndrome. Last evaluated: 2025-10-07. Review status: criteria provided, single submitter. Criteria: Invitae Variant Classification Sherloc (09022015). Collection method: clinical testing. Allele origin: germline.

Ambry Genetics
Classification: Likely benign for Hereditary cancer-predisposing syndrome. Last evaluated: 2024-02-22. Review status: criteria provided, single submitter. Criteria: Ambry Variant Classification Scheme 2023. Collection method: clinical testing. Allele origin: germline.

Blueprint Genetics
Classification: Likely benign. Last evaluated: 2023-09-25. Review status: criteria provided, single submitter. Criteria: ACMG Guidelines, 2015. Collection method: clinical testing. Allele origin: germline.

GeneDx
Classification: Likely benign. Last evaluated: 2017-02-01. Review status: criteria provided, single submitter. Criteria: GeneDx Variant Classification (06012015). Collection method: clinical testing. Allele origin: germline. Affected: yes.
Comment: This variant is considered likely benign or benign based on one or more of the following criteria: it is a conservative change, it occurs at a poorly conserved position in the protein, it is predicted to be benign by multiple in silico algorithms, and/or has population frequency not consistent with disease.